The following is an entry in ClinVar:

NM_000489.6(ATRX):c.4214+19A>T

Gene: ATRX (ATRX chromatin remodeler; minus strand). Cytogenetic location: Xq21.1.
Variant type: single nucleotide variant.
Coding change: c.4214+19A>T on transcript NM_000489.6 (MANE Select); 19 bases into the intron after coding-DNA position 4214, A replaced by T.
Molecular consequence: intron variant.
Genome position (GRCh38, 1-based): chrX:77,656,541, T>A on the plus strand (A>T on the coding strand, the complement: ATRX is on the minus strand). VCF-style: chrX-77656541-T-A. GRCh37 (hg19) VCF-style: chrX-76912031-T-A.
Other names: c.4100+19A>T (NM_138270.5).
Identifiers: ClinVar variation 1738769 (VCV001738769.5), dbSNP rs782800692, ClinGen allele CA10457834.

ClinVar aggregate classification (germline): Conflicting classifications of pathogenicity. Review status: criteria provided, conflicting classifications (1 of 4 stars). 2 submissions from 2 submitters: Uncertain significance (1); Benign (1). Last evaluated 2025-03-11.

Conditions:
Inborn genetic diseases. Identifiers: MedGen C0950123, MeSH D030342.
Alpha thalassemia-X-linked intellectual disability syndrome (ATRX). Also called: ALPHA-THALASSEMIA/MENTAL RETARDATION SYNDROME, X-LINKED; ATR, NONDELETION TYPE; X-linked alpha-thalassemia-mental retardation syndrome; ATR-X syndrome; Alpha thalassemia mental retardation syndrome, nondeletion type, X-linked; XLMR hypotonic face syndrome. Identifiers: Orphanet 847, MedGen C1845055, MONDO:0010519, OMIM 301040.

Allele frequency attached by ClinVar (database versions not stated): TOPMed below 0.00001; ExAC 0.00001; gnomAD exomes 0.00004.
gnomAD v4.1: 38 of 1,193,283 alleles (0.0032%); highest among the groups gnomAD compares: East Asian, 0.012%; no homozygotes.

Submissions (2):

Labcorp Genetics (formerly Invitae), Labcorp
Classification: Benign for Alpha thalassemia-X-linked intellectual disability syndrome. Last evaluated: 2025-03-11. Review status: criteria provided, single submitter. Criteria: Invitae Variant Classification Sherloc (09022015). Collection method: clinical testing. Allele origin: germline.

Ambry Genetics
Classification: Uncertain significance for Inborn genetic diseases. Last evaluated: 2016-10-11. Review status: criteria provided, single submitter. Criteria: Ambry Variant Classification Scheme 2023. Collection method: clinical testing. Allele origin: germline.
Comment: The c.4214+19A>T intronic variant results from an A to T substitution 19 nucleotides after coding exon 13 in the ATRX gene. This variant was not reported in population based cohorts in the following databases: Database of Single Nucleotide Polymorphisms (dbSNP), NHLBI Exome Sequencing Project (ESP), and 1000 Genomes Project. In the ESP, this variant was not observed in 6495 samples with coverage at this position. This nucleotide position is poorly conserved in available vertebrate species. Using the BDGP and ESEfinder splice site prediction tools, this alteration is not predicted to have any significant effect on this splice acceptor/donor site; however, direct evidence is unavailable. Since supporting evidence is limited at this time, the clinical significance of this variant remains unclear.